The following is an entry in ClinVar:

ClinVar aggregate classification (germline): Conflicting classifications of pathogenicity. Review status: criteria provided, conflicting classifications (1 of 4 stars). 2 submissions from 2 submitters: Uncertain significance (1); Likely benign (1). Last evaluated 2025-09-01.

Conditions:
Pyogenic arthritis-pyoderma gangrenosum-acne syndrome (PAPA). Also called: FAMILIAL RECURRENT ARTHRITIS; PAPA SYNDROME. Identifiers: Orphanet 69126, MedGen C1858361, MONDO:0011462, OMIM 604416.

Allele frequency attached by ClinVar (database versions not stated): TOPMed below 0.00001; gnomAD exomes 0.00001; ExAC 0.00003.

Submissions (2):

Labcorp Genetics (formerly Invitae), Labcorp
Classification: Uncertain significance for Pyogenic arthritis-pyoderma gangrenosum-acne syndrome. Last evaluated: 2025-09-01. Review status: criteria provided, single submitter. Criteria: Invitae Variant Classification Sherloc (09022015). Collection method: clinical testing. Allele origin: germline.
Comment: This sequence change replaces arginine, which is basic and polar, with glutamine, which is neutral and polar, at codon 62 of the PSTPIP1 protein (p.Arg62Gln). The frequency data for this variant in the population databases is considered unreliable, as metrics indicate poor data quality at this position in the gnomAD database. This variant has not been reported in the literature in individuals affected with PSTPIP1-related conditions. ClinVar contains an entry for this variant (Variation ID: 1043643). Invitae Evidence Modeling of protein sequence and biophysical properties (such as structural, functional, and spatial information, amino acid conservation, physicochemical variation, residue mobility, and thermodynamic stability) indicates that this missense variant is not expected to disrupt PSTPIP1 protein function with a negative predictive value of 80%. In summary, the available evidence is currently insufficient to determine the role of this variant in disease. Therefore, it has been classified as a Variant of Uncertain Significance.

Blueprint Genetics
Classification: Likely benign. Last evaluated: 2022-09-16. Review status: criteria provided, single submitter. Criteria: ACMG Guidelines, 2015. Collection method: clinical testing. Allele origin: germline.

NM_003978.5(PSTPIP1):c.185G>A (p.Arg62Gln)

Gene: PSTPIP1 (proline-serine-threonine phosphatase interacting protein 1; plus strand). Cytogenetic location: 15q24.3.
Variant type: single nucleotide variant.
Coding change: c.185G>A on transcript NM_003978.5 (MANE Select); coding-DNA position 185, G replaced by A.
Protein change: p.Arg62Gln; replaces arginine 62 with glutamine.
Molecular consequence: missense variant. On other transcripts: non-coding transcript variant (1).
Genome position (GRCh38, 1-based): chr15:77,018,504, G>A. VCF-style: chr15-77018504-G-A. GRCh37 (hg19) VCF-style: chr15-77310845-G-A.
Other names: c.185G>A, p.Arg62Gln (NM_001321135.2); c.158G>A, p.Arg53Gln (NM_001321136.2); c.380G>A, p.Arg127Gln (NM_001321137.1); short protein forms R53Q, R62Q, R127Q.
Identifiers: ClinVar variation 1043643 (VCV001043643.9), dbSNP rs754304151, ClinGen allele CA7675730.